The following is an entry in ClinVar:

ClinVar aggregate classification (germline): Likely pathogenic (1 of 4 stars; one submission).

Conditions:
Autosomal dominant Alport syndrome (ATS3A). Also called: ALPORT SYNDROME 3A, AUTOSOMAL DOMINANT; Alport syndrome dominant type; Renal failure and sensorineural hearing loss. Identifiers: Orphanet 63, Orphanet 88918, MedGen C5882663, MONDO:0007086, OMIM 104200.

gnomAD v4.1: 1 of 1,614,158 alleles (0.000062%); highest among the groups gnomAD compares: Non-Finnish European, 0.000085%; no homozygotes.

Submission:

MVZ Medizinische Genetik Mainz
Classification: Likely pathogenic for Autosomal dominant Alport syndrome. Last evaluated: 2025-03-13. Review status: criteria provided, single submitter. Criteria: UK Practice Guidelines For Variant Classification V4 01 2020. Collection method: clinical testing. Allele origin: germline. Inheritance: Autosomal dominant inheritance. Affected: yes. Observed: 1 variant allele.
Comment: ACMG Criteria: PM1_STR,PM2_SUP,PP3

NM_000091.5(COL4A3):c.3025G>C (p.Gly1009Arg)

Genes: MFF-DT (MFF divergent transcript; minus strand), COL4A3 (collagen type IV alpha 3 chain; plus strand). Cytogenetic location: 2q36.3.
Variant type: single nucleotide variant.
Coding change: c.3025G>C on transcript NM_000091.5 (MANE Select); coding-DNA position 3025, G replaced by C.
Protein change: p.Gly1009Arg; replaces glycine 1009 with arginine.
Molecular consequence: missense variant.
Genome position (GRCh38, 1-based): chr2:227,290,043, G>C. VCF-style: chr2-227290043-G-C. GRCh37 (hg19) VCF-style: chr2-228154759-G-C.
Other names: short protein forms G1009R.
Identifiers: ClinVar variation 3774577 (VCV003774577.1).